The following is an entry in ClinVar:

ClinVar aggregate classification (germline): Uncertain significance (1 of 4 stars; one submission).

Allele frequency attached by ClinVar (database versions not stated): gnomAD exomes below 0.00001.
gnomAD v4.1: 2 of 1,614,134 alleles (0.00012%); highest among the groups gnomAD compares: Admixed American, 0.0017%; no homozygotes.

Submission:

Labcorp Genetics (formerly Invitae), Labcorp
Classification: Uncertain significance. Last evaluated: 2025-03-01. Review status: criteria provided, single submitter. Criteria: Invitae Variant Classification Sherloc (09022015). Collection method: clinical testing. Allele origin: germline.
Comment: This sequence change replaces serine, which is neutral and polar, with cysteine, which is neutral and slightly polar, at codon 1384 of the SETBP1 protein (p.Ser1384Cys). This variant is present in population databases (no rsID available, gnomAD 0.003%). This variant has not been reported in the literature in individuals affected with SETBP1-related conditions. ClinVar contains an entry for this variant (Variation ID: 1929176). Invitae Evidence Modeling of protein sequence and biophysical properties (such as structural, functional, and spatial information, amino acid conservation, physicochemical variation, residue mobility, and thermodynamic stability) indicates that this missense variant is not expected to disrupt SETBP1 protein function with a negative predictive value of 80%. In summary, the available evidence is currently insufficient to determine the role of this variant in disease. Therefore, it has been classified as a Variant of Uncertain Significance.

NM_015559.3(SETBP1):c.4151C>G (p.Ser1384Cys)

Gene: SETBP1 (SET binding protein 1; plus strand). Cytogenetic location: 18q12.3.
Variant type: single nucleotide variant.
Coding change: c.4151C>G on transcript NM_015559.3 (MANE Select); coding-DNA position 4151, C replaced by G.
Protein change: p.Ser1384Cys; replaces serine 1384 with cysteine.
Molecular consequence: missense variant.
Genome position (GRCh38, 1-based): chr18:45,038,635, C>G. VCF-style: chr18-45038635-C-G. GRCh37 (hg19) VCF-style: chr18-42618600-C-G.
Other names: c.4151C>G, p.Ser1384Cys (NM_001379141.1, NM_001379142.1); short protein forms S1384C.
Identifiers: ClinVar variation 1929176 (VCV001929176.5), dbSNP rs1296546263, ClinGen allele CA402482626.